The following is an entry in ClinVar:

ClinVar aggregate classification (germline): Uncertain significance. Review status: criteria provided, multiple submitters, no conflicts (2 of 4 stars). 5 submissions from 5 submitters: Uncertain significance (4). 1 of the submissions does not count toward it. Last evaluated 2025-11-23.

Conditions:
Catecholaminergic polymorphic ventricular tachycardia (CVPT). Also called: Catecholamine-induced polymorphic ventricular tachycardia. Identifiers: Orphanet 3286, MedGen C5574922, MONDO:0017990.
Catecholaminergic polymorphic ventricular tachycardia 1. Also called: VENTRICULAR TACHYCARDIA, STRESS-INDUCED POLYMORPHIC 1; VENTRICULAR TACHYCARDIA, CATECHOLAMINERGIC POLYMORPHIC, 1, WITH OR WITHOUT ATRIAL DYSFUNCTION AND/OR DILATED CARDIOMYOPATHY; RYR2-Related Catecholaminergic Polymorphic Ventricular Tachycardia. Identifiers: Orphanet 3286, MedGen C1631597, MONDO:0011484, OMIM 604772.
Cardiomyopathy (CMYO). Also called: Cardiomyopathies. Identifiers: Orphanet 167848, MedGen C0878544, MONDO:0004994, HP:0001638. Inheritance: Various modes of inheritance.

Allele frequency attached by ClinVar (database versions not stated): gnomAD 0.00002 and 0.00003; TOPMed 0.00002; gnomAD exomes 0.00005; ExAC 0.00006; ESP Exome Variant Server 0.00008; 1000 Genomes Project 30x 0.00016.
gnomAD v4.1: 57 of 1,613,512 alleles (0.0035%); highest among the groups gnomAD compares: Non-Finnish European, 0.0036%; no homozygotes.

Submissions (5):

Labcorp Genetics (formerly Invitae), Labcorp
Classification: Uncertain significance for Catecholaminergic polymorphic ventricular tachycardia 1. Last evaluated: 2025-11-23. Review status: criteria provided, single submitter. Criteria: Invitae Variant Classification Sherloc (09022015). Collection method: clinical testing. Allele origin: germline.
Comment: This sequence change replaces valine, which is neutral and non-polar, with isoleucine, which is neutral and non-polar, at codon 452 of the RYR2 protein (p.Val452Ile). This variant is present in population databases (rs375218751, gnomAD 0.009%). This variant has not been reported in the literature in individuals affected with RYR2-related conditions. ClinVar contains an entry for this variant (Variation ID: 463568). Invitae Evidence Modeling of protein sequence and biophysical properties (such as structural, functional, and spatial information, amino acid conservation, physicochemical variation, residue mobility, and thermodynamic stability) indicates that this missense variant is not expected to disrupt RYR2 protein function with a negative predictive value of 95%. In summary, the available evidence is currently insufficient to determine the role of this variant in disease. Therefore, it has been classified as a Variant of Uncertain Significance.

Color Diagnostics, LLC DBA Color Health
Classification: Uncertain significance for Cardiomyopathy. Last evaluated: 2025-07-14. Review status: criteria provided, single submitter. Criteria: ACMG Guidelines, 2015. Collection method: clinical testing. Allele origin: germline.
Comment: This variant causes valine to isoleucine substitution at codon 452 in the RYR2 protein. Computational prediction suggests that this variant may not impact protein structure and function. To our knowledge, functional studies have not been reported for this variant. This variant has not been reported in individuals affected with RYR2-related disorders in the literature. This variant has been identified in 13/279996 chromosomes in the general population by the Genome Aggregation Database (gnomAD). The available evidence is insufficient to determine the role of this variant in disease conclusively. Therefore, this variant is classified as a Variant of Uncertain Significance.

All of Us Research Program, National Institutes of Health
Classification: Uncertain significance for Catecholaminergic polymorphic ventricular tachycardia. Last evaluated: 2024-02-05. Review status: criteria provided, single submitter. Criteria: ACMG Guidelines, 2015. Collection method: clinical testing. Allele origin: germline. Inheritance: Autosomal dominant inheritance. Observed: 5 variant alleles, 5 heterozygotes.
Comment: This missense variant replaces valine with isoleucine at codon 452 of the RYR2 protein. Computational prediction tools and conservation analyses are inconclusive regarding the impact of this variant on the protein function. Computational splicing tools suggest that this variant may not impact RNA splicing. To our knowledge, functional assays have not been performed for this variant nor has this variant been reported in individuals affected with cardiovascular disorders in the literature. This variant has been identified in 13/279996 chromosomes in the general population by the Genome Aggregation Database (gnomAD). Available evidence is insufficient to determine the role of this variant in disease conclusively. Therefore, this variant is classified as a Variant of Uncertain Significance.

This study involves interpretation of variants in research participants for the purpose of population health screening. Participant phenotype was not available at the time of variant classification. Additional details can be found in publication PMID: 35346344, PMCID: PMC8962531

CHEO Genetics Diagnostic Laboratory, Children's Hospital of Eastern Ontario
Classification: Uncertain significance for Cardiomyopathy. Last evaluated: 2016-02-02. Review status: criteria provided, single submitter. Criteria: ACMG Guidelines, 2015. Collection method: clinical testing. Allele origin: germline. Study: Canadian Open Genetics Repository.

Department of Pathology and Laboratory Medicine, Sinai Health System
Classification: Uncertain significance. Review status: no assertion criteria provided. Collection method: clinical testing. Allele origin: unknown. Affected: yes. Study: The Canadian Open Genetics Repository (COGR). Not counted in ClinVar's aggregate classification.
Comment: The RYR2 p.Val452Ile variant was not identified in the literature nor was it identified in Cosmic or LOVD 3.0 databases. The variant was identified in dbSNP (ID: rs375218751) as "With Uncertain significance allele" and in ClinVar (classified as VUS by Invitae with associated condition of Catecholaminergic polymorphic ventricular tachycardia). The variant was identified in control databases in 13 of 279996 chromosomes at a frequency of 0.000046 (Genome Aggregation Database Feb 27, 2017). The variant was observed in the following populations: European (non-Finnish) in 11 of 128000 chromosomes (freq: 0.000086) and European (Finnish) in 2 of 25006 chromosomes (freq: 0.00008), while the variant was not observed in the African, Latino, Ashkenazi Jewish, East Asian, Other and South Asian populations. The variant occurs outside of the splicing consensus sequence and 2 of 4 in silico or computational prediction software programs (MaxEntScan and NNSplice) predict the loss of a 5' splice site at the site of variation; although this is not very predictive of pathogenicity. The p.Val452 residue is conserved in mammals and distantly related organisms, and computational analyses (PolyPhen-2, SIFT, AlignGVGD, BLOSUM, MutationTaster) provide inconsistent predictions regarding the impact to the protein; this information is not very predictive of pathogenicity. In summary, based on the above information the clinical significance of this variant cannot be determined with certainty at this time. This variant is classified as a variant of uncertain significance.

NM_001035.3(RYR2):c.1354G>A (p.Val452Ile)

Gene: RYR2 (ryanodine receptor 2; plus strand). Cytogenetic location: 1q43.
Variant type: single nucleotide variant.
Coding change: c.1354G>A on transcript NM_001035.3 (MANE Select); coding-DNA position 1354, G replaced by A.
Protein change: p.Val452Ile; replaces valine 452 with isoleucine.
Molecular consequence: missense variant.
Genome position (GRCh38, 1-based): chr1:237,454,452, G>A. VCF-style: chr1-237454452-G-A. GRCh37 (hg19) VCF-style: chr1-237617752-G-A.
Other names: c.1354G>A, p.Val452Ile (LRG_402t1); short protein forms V452I.
Identifiers: ClinVar variation 463568 (VCV000463568.18), dbSNP rs375218751, ClinGen allele CA085400.